The following is an entry in ClinVar:

ClinVar aggregate classification (germline): Uncertain significance (1 of 4 stars; one submission).

Allele frequency attached by ClinVar (database versions not stated): gnomAD exomes below 0.00001; ExAC 0.00001; gnomAD 0.00001.
gnomAD v4.1: 5 of 1,612,688 alleles (0.00031%); highest among the groups gnomAD compares: Admixed American, 0.005%; no homozygotes.

Submission:

Labcorp Genetics (formerly Invitae), Labcorp
Classification: Uncertain significance. Last evaluated: 2022-06-13. Review status: criteria provided, single submitter. Criteria: Invitae Variant Classification Sherloc (09022015). Collection method: clinical testing. Allele origin: germline.
Comment: In summary, the available evidence is currently insufficient to determine the role of this variant in disease. Therefore, it has been classified as a Variant of Uncertain Significance. Algorithms developed to predict the effect of missense changes on protein structure and function are either unavailable or do not agree on the potential impact of this missense change (SIFT: "Not Available"; PolyPhen-2: "Probably Damaging"; Align-GVGD: "Not Available"). This variant has not been reported in the literature in individuals affected with POLR1A-related conditions. This variant is present in population databases (rs754338408, gnomAD 0.003%). This sequence change replaces serine, which is neutral and polar, with glycine, which is neutral and non-polar, at codon 404 of the POLR1A protein (p.Ser404Gly).

NM_015425.6(POLR1A):c.1210A>G (p.Ser404Gly)

Gene: POLR1A (RNA polymerase I subunit A; minus strand). Cytogenetic location: 2p11.2.
Variant type: single nucleotide variant.
Coding change: c.1210A>G on transcript NM_015425.6 (MANE Select); coding-DNA position 1210, A replaced by G.
Protein change: p.Ser404Gly; replaces serine 404 with glycine.
Molecular consequence: missense variant.
Genome position (GRCh38, 1-based): chr2:86,078,161, T>C on the plus strand (A>G on the coding strand, the complement: POLR1A is on the minus strand). VCF-style: chr2-86078161-T-C. GRCh37 (hg19) VCF-style: chr2-86305284-T-C.
Other names: short protein forms S404G.
Identifiers: ClinVar variation 2005080 (VCV002005080.4), dbSNP rs754338408, ClinGen allele CA1746422.
Genomic context (GRCh38, chr2:86,078,161, plus strand): 5'-GTTTTTTGCTCACCTGCCTAATGCCTGGGTACTTGTCCATCATTAGTTTGTCCATCTCGC[T>C]ATCAAACACAATATTGACGTGGCTCTGAAGGCGAATCCAAATGTTGTAAAGTTTGTCTAT-3'
Protein context (NP_056240.2, residues 394-414): LQSHVNIVFD[Ser404Gly]EMDKLMMDKY